The following is an entry in ClinVar:

ClinVar aggregate classification (germline): Uncertain significance (1 of 4 stars; one submission).

Conditions:
Biotinidase deficiency. Also called: BTD deficiency; Late-onset biotin-responsive multiple carboxylase deficiency; Biotin deficiency. Identifiers: Orphanet 79241, MedGen C0220754, MONDO:0009665, OMIM 253260.

Submission:

Labcorp Genetics (formerly Invitae), Labcorp
Classification: Uncertain significance for Biotinidase deficiency. Last evaluated: 2021-02-11. Review status: criteria provided, single submitter. Criteria: Invitae Variant Classification Sherloc (09022015). Collection method: clinical testing. Allele origin: germline.
Comment: In summary, the available evidence is currently insufficient to determine the role of this variant in disease. Therefore, it has been classified as a Variant of Uncertain Significance. Algorithms developed to predict the effect of missense changes on protein structure and function are either unavailable or do not agree on the potential impact of this missense change (SIFT: "Tolerated"; PolyPhen-2: "Probably Damaging"; Align-GVGD: "Class C0"). This variant has not been reported in the literature in individuals with BTD-related conditions. This variant is not present in population databases (ExAC no frequency). This sequence change replaces tyrosine with serine at codon 453 of the BTD protein (p.Tyr453Ser). The tyrosine residue is highly conserved and there is a large physicochemical difference between tyrosine and serine.

NM_001370658.1(BTD):c.1298A>C (p.Tyr433Ser)

Gene: BTD (biotinidase; plus strand). Cytogenetic location: 3p25.1.
Variant type: single nucleotide variant.
Coding change: c.1298A>C on transcript NM_001370658.1 (MANE Select); coding-DNA position 1298, A replaced by C.
Protein change: p.Tyr433Ser; replaces tyrosine 433 with serine.
Molecular consequence: missense variant. On other transcripts: intron variant (2).
Genome position (GRCh38, 1-based): chr3:15,645,214, A>C. VCF-style: chr3-15645214-A-C. GRCh37 (hg19) VCF-style: chr3-15686721-A-C.
Other names: c.1015+283A>C (NM_001370752.1); c.399+3157A>C (NM_001370753.1); c.1298A>C, p.Tyr433Ser (NM_001407373.1, NM_001407374.1, NM_001407375.1 and 16 more transcripts); c.1358A>C, p.Tyr453Ser (NM_000060.4); short protein forms Y433S, Y453S.
Identifiers: ClinVar variation 1369943 (VCV001369943.7), dbSNP rs2125505641, ClinGen allele CA351608618.